The following is an entry in ClinVar:

NM_000836.4(GRIN2D):c.3478G>A (p.Gly1160Ser)

Gene: GRIN2D (glutamate ionotropic receptor NMDA type subunit 2D; plus strand). Cytogenetic location: 19q13.33.
Variant type: single nucleotide variant.
Coding change: c.3478G>A on transcript NM_000836.4 (MANE Select); coding-DNA position 3478, G replaced by A.
Protein change: p.Gly1160Ser; replaces glycine 1160 with serine.
Molecular consequence: missense variant.
Genome position (GRCh38, 1-based): chr19:48,443,404, G>A. VCF-style: chr19-48443404-G-A. GRCh37 (hg19) VCF-style: chr19-48946661-G-A.
Other names: short protein forms G1160S.
Identifiers: ClinVar variation 2131295 (VCV002131295.4), dbSNP rs2513693353, ClinGen allele CA406676428.

ClinVar aggregate classification (germline): Uncertain significance (1 of 4 stars; one submission).

Submission:

Labcorp Genetics (formerly Invitae), Labcorp
Classification: Uncertain significance. Last evaluated: 2022-06-02. Review status: criteria provided, single submitter. Criteria: Invitae Variant Classification Sherloc (09022015). Collection method: clinical testing. Allele origin: germline.
Comment: This variant has not been reported in the literature in individuals affected with GRIN2D-related conditions. This variant is not present in population databases (gnomAD no frequency). This sequence change replaces glycine, which is neutral and non-polar, with serine, which is neutral and polar, at codon 1160 of the GRIN2D protein (p.Gly1160Ser). In summary, the available evidence is currently insufficient to determine the role of this variant in disease. Therefore, it has been classified as a Variant of Uncertain Significance. Advanced modeling of protein sequence and biophysical properties (such as structural, functional, and spatial information, amino acid conservation, physicochemical variation, residue mobility, and thermodynamic stability) performed at Invitae indicates that this missense variant is not expected to disrupt GRIN2D protein function.